The following is an entry in ClinVar:

NM_003849.4(SUCLG1):c.263C>T (p.Pro88Leu)

Gene: SUCLG1 (succinate-CoA ligase GDP/ADP-forming subunit alpha; minus strand). Cytogenetic location: 2p11.2.
Variant type: single nucleotide variant.
Coding change: c.263C>T on transcript NM_003849.4 (MANE Select); coding-DNA position 263, C replaced by T.
Protein change: p.Pro88Leu; replaces proline 88 with leucine.
Molecular consequence: missense variant.
Genome position (GRCh38, 1-based): chr2:84,443,339, G>A on the plus strand (C>T on the coding strand, the complement: SUCLG1 is on the minus strand). VCF-style: chr2-84443339-G-A. GRCh37 (hg19) VCF-style: chr2-84670463-G-A.
Other names: short protein forms P88L.
Identifiers: ClinVar variation 3375633 (VCV003375633.1).
Genomic context (GRCh38, chr2:84,443,339, plus strand): 5'-ATTACCTCCTTCACAGTATTAAAGACAGGTAAGCCCAGATGTGTCTGGCCTCCTTTCCCT[G>A]GAGTGGTTCCTCCAACGAGTTTGGTGCCATATTCCAATGCCTGCTGGCTGTGAAAGGTGC-3'
Protein context (NP_003840.2, residues 78-98): YGTKLVGGTT[Pro88Leu]GKGGQTHLGL

ClinVar aggregate classification (germline): Uncertain significance (1 of 4 stars; one submission).

gnomAD v4.1: 2 of 1,614,178 alleles (0.00012%); highest among the groups gnomAD compares: Non-Finnish European, 0.00017%; no homozygotes.

Submission:

GeneDx
Classification: Uncertain significance. Last evaluated: 2024-05-09. Review status: criteria provided, single submitter. Criteria: GeneDx Variant Classification Process June 2021. Collection method: clinical testing. Allele origin: germline. Affected: yes.
Comment: Not observed at significant frequency in large population cohorts (gnomAD); In silico analysis supports that this missense variant has a deleterious effect on protein structure/function; Has not been previously published as pathogenic or benign to our knowledge